The following is an entry in ClinVar:

ClinVar aggregate classification (germline): Likely benign (1 of 4 stars; one submission).

Conditions:
Familial cancer of breast. Also called: hereditary breast carcinoma; BREAST CANCER, FAMILIAL; Hereditary breast cancer. Identifiers: Orphanet 227535, MedGen C0346153, MONDO:0016419, OMIM 114480. Disease mechanism: loss of function.

Submission:

Myriad Genetics, Inc.
Classification: Likely benign for Familial cancer of breast. Last evaluated: 2024-05-28. Review status: criteria provided, single submitter. Criteria: Myriad Autosomal Dominant, Autosomal Recessive and X-Linked Classification Criteria (2023). Collection method: clinical testing. Allele origin: unknown.
Comment: This variant is considered likely benign. This variant is intronic and is not expected to impact mRNA splicing.

NM_000051.4(ATM):c.6007-16G>T

Genes: ATM (ATM serine/threonine kinase; plus strand), C11orf65 (chromosome 11 open reading frame 65; minus strand). Cytogenetic location: 11q22.3.
Variant type: single nucleotide variant.
Coding change: c.6007-16G>T on transcript NM_000051.4 (MANE Select); 16 bases into the intron before coding-DNA position 6007, G replaced by T.
Molecular consequence: intron variant.
Genome position (GRCh38, 1-based): chr11:108,315,807, G>T. VCF-style: chr11-108315807-G-T. GRCh37 (hg19) VCF-style: chr11-108186534-G-T.
Other names: c.6007-16G>T (NM_001351834.2); c.641-6736C>A (NM_001330368.2); c.*39-6736C>A (NM_001351110.2).
Identifiers: ClinVar variation 3254039 (VCV003254039.1), dbSNP rs771998564.